The following is an entry in ClinVar:

NM_004453.4(ETFDH):c.807A>C (p.Gln269His)

Gene: ETFDH (electron transfer flavoprotein dehydrogenase; plus strand). Cytogenetic location: 4q32.1.
Variant type: single nucleotide variant.
Coding change: c.807A>C on transcript NM_004453.4 (MANE Select); coding-DNA position 807, A replaced by C.
Protein change: p.Gln269His; replaces glutamine 269 with histidine.
Molecular consequence: missense variant.
Genome position (GRCh38, 1-based): chr4:158,695,619, A>C. VCF-style: chr4-158695619-A-C. GRCh37 (hg19) VCF-style: chr4-159616771-A-C.
Other names: c.666A>C, p.Gln222His (NM_001281737.2); c.624A>C, p.Gln208His (NM_001281738.1); short protein forms Q269H, Q222H, Q208H.
Identifiers: ClinVar variation 565800 (VCV000565800.13), dbSNP rs1265381182, ClinGen allele CA358560944.

ClinVar aggregate classification (germline): Conflicting classifications of pathogenicity. Review status: criteria provided, conflicting classifications (1 of 4 stars). 3 submissions from 3 submitters: Likely pathogenic (1); Uncertain significance (1). 1 of the submissions does not count toward it. Last evaluated 2024-10-04.

Conditions:
Glutaric acidemia IIc. Also called: ETFDH deficiency. Identifiers: MedGen C3278156, MONDO:0700076.
Glutaric acidemia type 2C.
Multiple acyl-CoA dehydrogenase deficiency (MADD). Also called: Glutaric aciduria, type 2; ETHYLMALONIC-ADIPICACIDURIA; GA II; Glutaric Acidemia type 2; Glutaric acidemia type II; GA 2. Identifiers: Orphanet 26791, MedGen C0268596, MONDO:0009282, OMIM 231680.

Submissions (3):

Dubai Health Genomic Medicine Center, Dubai Health
Classification: Likely pathogenic for Glutaric acidemia IIC. Last evaluated: 2024-10-04. Review status: criteria provided, single submitter. Criteria: ACMG Guidelines, 2015. Collection method: research. Allele origin: germline. Affected: yes.
Comment: PM3,PM2,PP3,PM5

Labcorp Genetics (formerly Invitae), Labcorp
Classification: Uncertain significance for Multiple acyl-CoA dehydrogenase deficiency. Last evaluated: 2020-02-29. Review status: criteria provided, single submitter. Criteria: Invitae Variant Classification Sherloc (09022015). Collection method: clinical testing. Allele origin: germline.
Comment: This sequence change replaces glutamine with histidine at codon 269 of the ETFDH protein (p.Gln269His). The glutamine residue is highly conserved and there is a small physicochemical difference between glutamine and histidine. This variant is not present in population databases (ExAC no frequency). This variant has been reported in individuals affected with clinical features of glutaric aciduria type II (PMID: 24516753, Invitae). ClinVar contains an entry for this variant (Variation ID: 565800). Algorithms developed to predict the effect of missense changes on protein structure and function are either unavailable or do not agree on the potential impact of this missense change (SIFT: "Deleterious"; PolyPhen-2: "Probably Damaging"; Align-GVGD: "Class C0"). In summary, the available evidence is currently insufficient to determine the role of this variant in disease. Therefore, it has been classified as a Variant of Uncertain Significance.

Natera, Inc.
Classification: Uncertain significance for Glutaric acidemia type 2C. Last evaluated: 2021-06-23. Review status: no assertion criteria provided. Collection method: clinical testing. Allele origin: germline. Not counted in ClinVar's aggregate classification.

Literature cited by the submitters: PubMed 24516753 (cited by Labcorp Genetics (formerly Invitae), Labcorp).